The following is an entry in ClinVar:

NM_001267550.2(TTN):c.104080T>C (p.Ser34694Pro)

Genes: TTN (titin; minus strand), TTN-AS1 (TTN antisense RNA 1; plus strand). Cytogenetic location: 2q31.2.
Variant type: single nucleotide variant.
Coding change: c.104080T>C on transcript NM_001267550.2 (MANE Select); coding-DNA position 104080, T replaced by C.
Protein change: p.Ser34694Pro; replaces serine 34694 with proline.
Molecular consequence: missense variant.
Genome position (GRCh38, 1-based): chr2:178,532,535, A>G on the plus strand (T>C on the coding strand, the complement: TTN is on the minus strand). VCF-style: chr2-178532535-A-G. GRCh37 (hg19) VCF-style: chr2-179397262-A-G.
Other names: c.99157T>C, p.Ser33053Pro (NM_001256850.1); c.76885T>C, p.Ser25629Pro (NM_003319.4); c.96376T>C, p.Ser32126Pro (NM_133378.4); c.77260T>C, p.Ser25754Pro (NM_133432.3); c.77461T>C, p.Ser25821Pro (NM_133437.4); short protein forms S25821P, S32126P, S33053P, S34694P, S25629P, S25754P.
Identifiers: ClinVar variation 1493749 (VCV001493749.4), dbSNP rs768203673, ClinGen allele CA1985487.

ClinVar aggregate classification (germline): Uncertain significance (1 of 4 stars; one submission).

Conditions:
Dilated cardiomyopathy 1G (CMD1G). Identifiers: Orphanet 154, MedGen C1858763, MONDO:0011400, OMIM 604145.
Autosomal recessive limb-girdle muscular dystrophy type 2J (LGMDR10). Also called: Limb-girdle muscular dystrophy, type 2J; MUSCULAR DYSTROPHY, LIMB-GIRDLE, AUTOSOMAL RECESSIVE 10. Identifiers: Orphanet 140922, MedGen C1837342, MONDO:0012127, OMIM 608807.

gnomAD v4.1: 5 of 1,613,962 alleles (0.00031%); highest among the groups gnomAD compares: Admixed American, 0.005%; no homozygotes.

Submission:

Labcorp Genetics (formerly Invitae), Labcorp
Classification: Uncertain significance for Dilated cardiomyopathy 1G; Autosomal recessive limb-girdle muscular dystrophy type 2J. Last evaluated: 2022-08-08. Review status: criteria provided, single submitter. Criteria: Invitae Variant Classification Sherloc (09022015). Collection method: clinical testing. Allele origin: germline.
Comment: In summary, the available evidence is currently insufficient to determine the role of this variant in disease. Therefore, it has been classified as a Variant of Uncertain Significance. This variant is located in the M band of TTN (PMID: 25589632). Variants in this region may be relevant for neuromuscular disorders, but have not been definitively shown to cause cardiomyopathy (PMID: 23975875). Experimental studies and prediction algorithms are not available or were not evaluated, and the functional significance of this variant is currently unknown. ClinVar contains an entry for this variant (Variation ID: 1493749). This variant has not been reported in the literature in individuals affected with TTN-related conditions. This variant is present in population databases (rs768203673, gnomAD 0.009%). This sequence change replaces serine, which is neutral and polar, with proline, which is neutral and non-polar, at codon 34694 of the TTN protein (p.Ser34694Pro).

Literature cited by the submitters: PubMed 25589632; PubMed 23975875.